The following is an entry in ClinVar:

NM_000038.6(APC):c.7750G>A (p.Ala2584Thr)

Gene: APC (APC regulator of Wnt signaling pathway; plus strand). Cytogenetic location: 5q22.2.
Variant type: single nucleotide variant.
Coding change: c.7750G>A on transcript NM_000038.6 (MANE Select); coding-DNA position 7750, G replaced by A.
Protein change: p.Ala2584Thr; replaces alanine 2584 with threonine.
Molecular consequence: missense variant.
Genome position (GRCh38, 1-based): chr5:112,843,344, G>A. VCF-style: chr5-112843344-G-A. GRCh37 (hg19) VCF-style: chr5-112179041-G-A.
Other names: c.7750G>A, p.Ala2584Thr (NM_001127510.3, NM_001354895.2); c.7696G>A, p.Ala2566Thr (NM_001127511.3); c.7804G>A, p.Ala2602Thr (NM_001354896.2); c.7780G>A, p.Ala2594Thr (NM_001354897.2); c.7675G>A, p.Ala2559Thr (NM_001354898.2); c.7666G>A, p.Ala2556Thr (NM_001354899.2); c.7627G>A, p.Ala2543Thr (NM_001354900.2); c.7573G>A, p.Ala2525Thr (NM_001354901.2); and 5 more; short protein forms A2584T, A2566T, A2483T, A2556T, A2594T, A2559T, A2301T, A2424T.
Identifiers: ClinVar variation 630201 (VCV000630201.27), dbSNP rs763786323, ClinGen allele CA049041.

ClinVar aggregate classification (germline): Conflicting classifications of pathogenicity. Review status: criteria provided, conflicting classifications (1 of 4 stars). 7 submissions from 7 submitters: Uncertain significance (5); Likely benign (2). Last evaluated 2025-03-04.

Conditions:
Hereditary cancer-predisposing syndrome. Also called: Neoplastic Syndromes, Hereditary; Tumor predisposition; Hereditary neoplastic syndrome; Hereditary Cancer Syndrome. Identifiers: Orphanet 140162, MedGen C0027672, MeSH D009386, MONDO:0015356.
Classic or attenuated familial adenomatous polyposis. Identifiers: MedGen CN372698, MONDO:0021057.
Familial adenomatous polyposis 1 (FAP1). Also called: POLYPOSIS, ADENOMATOUS INTESTINAL; FAMILIAL ADENOMATOUS POLYPOSIS 1, ATTENUATED. Identifiers: MedGen C2713442, MONDO:0021056, OMIM 175100. Disease mechanism: loss of function.

Allele frequency attached by ClinVar (database versions not stated): TOPMed below 0.00001; gnomAD 0.00001; gnomAD exomes 0.00001 and 0.00002; ExAC 0.00002.

Submissions (7):

Center for Genomic Medicine, Rigshospitalet, Copenhagen University Hospital
Classification: Likely benign. Last evaluated: 2025-03-04. Review status: criteria provided, single submitter. Criteria: ACMG Guidelines, 2015. Collection method: clinical testing. Allele origin: germline.

Labcorp Genetics (formerly Invitae), Labcorp
Classification: Uncertain significance for Familial adenomatous polyposis 1. Last evaluated: 2024-11-24. Review status: criteria provided, single submitter. Criteria: Invitae Variant Classification Sherloc (09022015). Collection method: clinical testing. Allele origin: germline.
Comment: This sequence change replaces alanine, which is neutral and non-polar, with threonine, which is neutral and polar, at codon 2584 of the APC protein (p.Ala2584Thr). The frequency data for this variant in the population databases is considered unreliable, as metrics indicate poor data quality at this position in the gnomAD database. This variant has not been reported in the literature in individuals affected with APC-related conditions. ClinVar contains an entry for this variant (Variation ID: 630201). Invitae Evidence Modeling of protein sequence and biophysical properties (such as structural, functional, and spatial information, amino acid conservation, physicochemical variation, residue mobility, and thermodynamic stability) indicates that this missense variant is not expected to disrupt APC protein function with a negative predictive value of 95%. In summary, the available evidence is currently insufficient to determine the role of this variant in disease. Therefore, it has been classified as a Variant of Uncertain Significance.

Quest Diagnostics Nichols Institute San Juan Capistrano
Classification: Uncertain significance. Last evaluated: 2024-08-01. Review status: criteria provided, single submitter. Criteria: Quest Diagnostics criteria. Collection method: clinical testing. Allele origin: unknown.
Comment: The APC c.7750G>A (p.Ala2584Thr) variant has not been reported in individuals with APC-related conditions in the published literature. The frequency of this variant in the general population, 0.00011 (4/35330 chromosomes in Admixed American subpopulation (Genome Aggregation Database)), is higher than would generally be expected for pathogenic variants in this gene. Analysis of this variant using bioinformatics tools for the prediction of the effect of amino acid changes on protein structure and function yielded predictions that this variant is damaging. Based on the available information, we are unable to determine the clinical significance of this variant.

Color Diagnostics, LLC DBA Color Health
Classification: Uncertain significance for Hereditary cancer-predisposing syndrome. Last evaluated: 2024-03-06. Review status: criteria provided, single submitter. Criteria: ACMG Guidelines, 2015. Collection method: clinical testing. Allele origin: germline.
Comment: This missense variant replaces alanine with threonine at codon 2584 of the APC protein. Computational prediction suggests that this variant may not impact protein structure and function (internally defined REVEL score threshold <= 0.5, PMID: 27666373). To our knowledge, functional studies have not been reported for this variant. This variant has not been reported in individuals affected with APC-related disorders in the literature. This variant has not been identified in the general population by the Genome Aggregation Database (gnomAD). The available evidence is insufficient to determine the role of this variant in disease conclusively. Therefore, this variant is classified as a Variant of Uncertain Significance.

All of Us Research Program, National Institutes of Health
Classification: Uncertain significance for Classic or attenuated familial adenomatous polyposis. Last evaluated: 2023-05-16. Review status: criteria provided, single submitter. Criteria: ACMG Guidelines, 2015. Collection method: clinical testing. Allele origin: germline. Inheritance: Autosomal dominant inheritance. Observed: 1 variant allele, 1 heterozygote.
Comment: This missense variant replaces alanine with threonine at codon 2584 of the APC protein. Computational prediction suggests that this variant may not impact protein structure and function (internally defined REVEL score threshold <= 0.5, PMID: 27666373). To our knowledge, functional studies have not been reported for this variant. This variant has not been reported in individuals affected with APC-related disorders in the literature. This variant has not been identified in the general population by the Genome Aggregation Database (gnomAD). The available evidence is insufficient to determine the role of this variant in disease conclusively. Therefore, this variant is classified as a Variant of Uncertain Significance.

This study involves interpretation of variants in research participants for the purpose of population health screening. Participant phenotype was not available at the time of variant classification. Additional details can be found in publication PMID: 35346344, PMCID: PMC8962531

GeneDx
Classification: Uncertain significance. Last evaluated: 2023-03-27. Review status: criteria provided, single submitter. Criteria: GeneDx Variant Classification Process June 2021. Collection method: clinical testing. Allele origin: germline. Affected: yes.
Comment: In silico analysis supports that this missense variant does not alter protein structure/function; Not observed at significant frequency in large population cohorts (gnomAD); Has not been previously published as pathogenic or benign to our knowledge; This variant is associated with the following publications: (PMID: 18199528)

Ambry Genetics
Classification: Likely benign for Hereditary cancer-predisposing syndrome. Last evaluated: 2021-07-14. Review status: criteria provided, single submitter. Criteria: Ambry Variant Classification Scheme 2023. Collection method: clinical testing. Allele origin: germline.